The following is an entry in ClinVar:

ClinVar aggregate classification (germline): Likely benign. Review status: criteria provided, multiple submitters, no conflicts (2 of 4 stars). 4 submissions from 4 submitters: Likely benign (4). Last evaluated 2026-01-16.

Conditions:
Neuronal ceroid lipofuscinosis. Also called: Neuronal Ceroid Lipofuscinoses. Identifiers: Orphanet 216, Orphanet 79263, MedGen C0027877, MONDO:0016295. Disease mechanism: loss of function.

Allele frequency attached by ClinVar (database versions not stated): gnomAD exomes 0.00004 and 0.00009; ExAC 0.00006; ESP Exome Variant Server 0.00008; TOPMed 0.00009; gnomAD 0.00012 and 0.00013.

Submissions (4):

Labcorp Genetics (formerly Invitae), Labcorp
Classification: Likely benign for Neuronal ceroid lipofuscinosis. Last evaluated: 2026-01-16. Review status: criteria provided, single submitter. Criteria: Invitae Variant Classification Sherloc (09022015). Collection method: clinical testing. Allele origin: germline.

CeGaT Center for Human Genetics Tuebingen
Classification: Likely benign. Last evaluated: 2026-01-01. Review status: criteria provided, single submitter. Criteria: CeGaT Center For Human Genetics Tuebingen Variant Classification Criteria Version 2. Collection method: clinical testing. Allele origin: germline. Affected: yes. Observed: 2 variant alleles.
Comment: CLN6: BP4, BP7

Blueprint Genetics
Classification: Likely benign. Last evaluated: 2022-09-09. Review status: criteria provided, single submitter. Criteria: ACMG Guidelines, 2015. Collection method: clinical testing. Allele origin: germline.

GeneDx
Classification: Likely benign. Last evaluated: 2017-02-24. Review status: criteria provided, single submitter. Criteria: GeneDx Variant Classification (06012015). Collection method: clinical testing. Allele origin: germline. Affected: yes.
Comment: This variant is considered likely benign or benign based on one or more of the following criteria: it is a conservative change, it occurs at a poorly conserved position in the protein, it is predicted to be benign by multiple in silico algorithms, and/or has population frequency not consistent with disease.

NM_017882.3(CLN6):c.477G>A (p.Pro159=)

Gene: CLN6 (CLN6 transmembrane ER protein; minus strand). Cytogenetic location: 15q23.
Variant type: single nucleotide variant.
Coding change: c.477G>A on transcript NM_017882.3 (MANE Select); coding-DNA position 477, G replaced by A.
Protein change: p.Pro159=; no amino-acid change (proline 159 retained).
Molecular consequence: synonymous variant.
Genome position (GRCh38, 1-based): chr15:68,211,684, C>T on the plus strand (G>A on the coding strand, the complement: CLN6 is on the minus strand). VCF-style: chr15-68211684-C-T. GRCh37 (hg19) VCF-style: chr15-68504022-C-T.
Identifiers: ClinVar variation 377695 (VCV000377695.38), dbSNP rs370811678, ClinGen allele CA7630606.